The following is an entry in ClinVar:

ClinVar aggregate classification (germline): Pathogenic (1 of 4 stars; one submission).

Allele frequency attached by ClinVar (database versions not stated): gnomAD 0.00002; gnomAD exomes 0.00002; TOPMed 0.00002.
gnomAD v4.1: 26 of 1,613,928 alleles (0.0016%); highest among the groups gnomAD compares: Non-Finnish European, 0.0022%; no homozygotes.

Submission:

Labcorp Genetics (formerly Invitae), Labcorp
Classification: Pathogenic. Last evaluated: 2025-02-18. Review status: criteria provided, single submitter. Criteria: Invitae Variant Classification Sherloc (09022015). Collection method: clinical testing. Allele origin: germline.
Comment: This sequence change creates a premature translational stop signal (p.Gln574*) in the LAMC3 gene. It is expected to result in an absent or disrupted protein product. Loss-of-function variants in LAMC3 are known to be pathogenic (PMID: 21572413, 26802095). This variant is present in population databases (no rsID available, gnomAD 0.003%). This variant has not been reported in the literature in individuals affected with LAMC3-related conditions. ClinVar contains an entry for this variant (Variation ID: 1895715). Algorithms developed to predict the effect of sequence changes on RNA splicing suggest that this variant may disrupt the consensus splice site. For these reasons, this variant has been classified as Pathogenic.

Literature cited by the submitters: PubMed 21572413; PubMed 26802095.

NM_006059.4(LAMC3):c.1720C>T (p.Gln574Ter)

Genes: LAMC3 (laminin subunit gamma 3; plus strand), LOC126860777 (BRD4-independent group 4 enhancer GRCh37_chr9:133927058-133928257; plus strand). Cytogenetic location: 9q34.12.
Variant type: single nucleotide variant.
Coding change: c.1720C>T on transcript NM_006059.4 (MANE Select); coding-DNA position 1720, C replaced by T.
Protein change: p.Gln574Ter; replaces glutamine 574 with a stop codon.
Molecular consequence: nonsense.
Genome position (GRCh38, 1-based): chr9:131,052,580, C>T. VCF-style: chr9-131052580-C-T. GRCh37 (hg19) VCF-style: chr9-133927967-C-T.
Other names: short protein forms Q574*.
Identifiers: ClinVar variation 1895715 (VCV001895715.5), dbSNP rs1030229080, ClinGen allele CA200704129.
Genomic context (GRCh38, chr9:131,052,580, plus strand): 5'-TATGGGCAGCCCCTCATACTGACCTTCCGGGTGCCCCCCGGGGACTCCCCACTCCCTGTA[C>T]AGCTGAGGCTGGAAGGGACAGGCTTGGCCCTGTCCCTGAGGCACTCTAGCCTGTCTGGCC-3'